The following is an entry in ClinVar:

ClinVar aggregate classification (germline): Uncertain significance. Review status: criteria provided, single submitter (1 of 4 stars). 2 submissions from 2 submitters: Uncertain significance (1). 1 of the submissions does not count toward it. Last evaluated 2016-10-05.

Conditions:
PKHD1-related disorder. Also called: PKHD1-related condition.

Allele frequency attached by ClinVar (database versions not stated): ExAC 0.00001; gnomAD exomes 0.00001.
gnomAD v4.1: 20 of 1,612,392 alleles (0.0012%); highest among the groups gnomAD compares: Non-Finnish European, 0.0016%; no homozygotes.

Submissions (2):

Eurofins Ntd Llc (ga)
Classification: Uncertain significance. Last evaluated: 2016-10-05. Review status: criteria provided, single submitter. Criteria: EGL Classification Definitions 2015. Collection method: clinical testing. Allele origin: germline. Observed: 1 variant allele, 1 heterozygote.

PreventionGenetics, part of Exact Sciences
Classification: Uncertain significance for PKHD1-related condition. Last evaluated: 2024-02-15. Review status: no assertion criteria provided. Collection method: clinical testing. Allele origin: germline. Not counted in ClinVar's aggregate classification.
Comment: The PKHD1 c.11789T>A variant is predicted to result in the amino acid substitution p.Met3930Lys. To our knowledge, this variant has not been reported in the literature. This variant is reported in 0.00089% of alleles in individuals of European (Non-Finnish) descent in gnomAD. At this time, the clinical significance of this variant is uncertain due to the absence of conclusive functional and genetic evidence.

NM_138694.4(PKHD1):c.11789T>A (p.Met3930Lys)

Gene: PKHD1 (PKHD1 ciliary IPT domain containing fibrocystin/polyductin; minus strand). Cytogenetic location: 6p12.3.
Variant type: single nucleotide variant.
Coding change: c.11789T>A on transcript NM_138694.4 (MANE Select); coding-DNA position 11789, T replaced by A.
Protein change: p.Met3930Lys; replaces methionine 3930 with lysine.
Molecular consequence: missense variant.
Genome position (GRCh38, 1-based): chr6:51,619,517, A>T on the plus strand (T>A on the coding strand, the complement: PKHD1 is on the minus strand). VCF-style: chr6-51619517-A-T. GRCh37 (hg19) VCF-style: chr6-51484315-A-T.
Other names: c.11789T>A (NM_138694.3); short protein forms M3930K.
Identifiers: ClinVar variation 497774 (VCV000497774.7), dbSNP rs148691090, ClinGen allele CA3850689.